The following is an entry in ClinVar:

ClinVar aggregate classification (germline): Conflicting classifications of pathogenicity. Review status: criteria provided, conflicting classifications (1 of 4 stars). 5 submissions from 4 submitters: Uncertain significance (4); Likely benign (1). Last evaluated 2026-01-11.

Conditions:
Adams-Oliver syndrome 5 (AOS5). Identifiers: Orphanet 974, MedGen C4014970, MONDO:0014459, OMIM 616028.
Familial thoracic aortic aneurysm and aortic dissection (TAAD). Also called: Thoracic aortic aneurysms and dissections. Identifiers: Orphanet 91387, MedGen C4707243, MONDO:0019625.
Aortic valve disease 1 (AOVD1). Identifiers: MedGen C3887892, MONDO:0024523, OMIM 109730.

gnomAD v4.1: 34 of 1,607,752 alleles (0.0021%); highest among the groups gnomAD compares: Non-Finnish European, 0.0028%; no homozygotes.

Submissions (5):

Labcorp Genetics (formerly Invitae), Labcorp
Classification: Likely benign for Adams-Oliver syndrome 5. Last evaluated: 2026-01-11. Review status: criteria provided, single submitter. Criteria: Invitae Variant Classification Sherloc (09022015). Collection method: clinical testing. Allele origin: germline.

Ambry Genetics
Classification: Uncertain significance for Familial thoracic aortic aneurysm and aortic dissection. Last evaluated: 2025-08-28. Review status: criteria provided, single submitter. Criteria: Ambry Variant Classification Scheme 2023. Collection method: clinical testing. Allele origin: germline.
Comment: The p.V1285L variant (also known as c.3853G>T), located in coding exon 23 of the NOTCH1 gene, results from a G to T substitution at nucleotide position 3853. The valine at codon 1285 is replaced by leucine, an amino acid with highly similar properties. This amino acid position is not well conserved in available vertebrate species. In addition, the in silico prediction for this alteration is inconclusive. Since supporting evidence is limited at this time, the clinical significance of this alteration remains unclear.

GeneDx
Classification: Uncertain significance. Last evaluated: 2025-05-13. Review status: criteria provided, single submitter. Criteria: GeneDx Variant Classification Process June 2021. Collection method: clinical testing. Allele origin: germline. Affected: yes.
Comment: Has not been previously published as pathogenic or benign to our knowledge; Not observed at significant frequency in large population cohorts (gnomAD); In silico analysis suggests that this missense variant does not alter protein structure/function

Genome-Nilou Lab
Classification: Uncertain significance for Adams-Oliver syndrome 5. Last evaluated: 2022-03-15. Review status: criteria provided, single submitter. Criteria: ACMG Guidelines, 2015. Collection method: clinical testing. Allele origin: germline. Affected: no.

Genome-Nilou Lab
Classification: Uncertain significance for Aortic valve disease 1. Last evaluated: 2022-03-15. Review status: criteria provided, single submitter. Criteria: ACMG Guidelines, 2015. Collection method: clinical testing. Allele origin: germline. Affected: no.

NM_017617.5(NOTCH1):c.3853G>T (p.Val1285Leu)

Gene: NOTCH1 (notch receptor 1; minus strand). Cytogenetic location: 9q34.3.
Variant type: single nucleotide variant.
Coding change: c.3853G>T on transcript NM_017617.5 (MANE Select); coding-DNA position 3853, G replaced by T.
Protein change: p.Val1285Leu; replaces valine 1285 with leucine.
Molecular consequence: missense variant.
Genome position (GRCh38, 1-based): chr9:136,506,764, C>A on the plus strand (G>T on the coding strand, the complement: NOTCH1 is on the minus strand). VCF-style: chr9-136506764-C-A. GRCh37 (hg19) VCF-style: chr9-139401216-C-A.
Other names: short protein forms V1285L.
Identifiers: ClinVar variation 1045662 (VCV001045662.16), dbSNP rs756972680, ClinGen allele CA375549041.
Genomic context (GRCh38, chr9:136,506,764, plus strand): 5'-CGCGGCACCCACCGGTGTGACCAGCACGGCACTCGCAGTGGAAGTCATTGACGCGCTGCA[C>A]GCAGTTCTGGGTGCCACGGGCGTCGCAGGGATTGGACAGGCACTCGTTGACATCCCCCTC-3'
Protein context (NP_060087.3, residues 1275-1295): PCDARGTQNC[Val1285Leu]QRVNDFHCEC